The following is an entry in ClinVar:

ClinVar aggregate classification (germline): Uncertain significance (1 of 4 stars; one submission).

Allele frequency attached by ClinVar (database versions not stated): gnomAD exomes below 0.00001.
gnomAD v4.1: 1 of 1,612,214 alleles (0.000062%); highest among the groups gnomAD compares: East Asian, 0.0022%; no homozygotes.

Submission:

Labcorp Genetics (formerly Invitae), Labcorp
Classification: Uncertain significance. Last evaluated: 2022-08-17. Review status: criteria provided, single submitter. Criteria: Invitae Variant Classification Sherloc (09022015). Collection method: clinical testing. Allele origin: germline.
Comment: In summary, the available evidence is currently insufficient to determine the role of this variant in disease. Therefore, it has been classified as a Variant of Uncertain Significance. Algorithms developed to predict the effect of missense changes on protein structure and function output the following: SIFT: "Tolerated"; PolyPhen-2: "Benign"; Align-GVGD: "Class C0". The methionine amino acid residue is found in multiple mammalian species, which suggests that this missense change does not adversely affect protein function. This variant has not been reported in the literature in individuals affected with TMTC3-related conditions. This variant is not present in population databases (gnomAD no frequency). This sequence change replaces valine, which is neutral and non-polar, with methionine, which is neutral and non-polar, at codon 413 of the TMTC3 protein (p.Val413Met).

NM_181783.4(TMTC3):c.1237G>A (p.Val413Met)

Gene: TMTC3 (transmembrane O-mannosyltransferase targeting cadherins 3; plus strand). Cytogenetic location: 12q21.32.
Variant type: single nucleotide variant.
Coding change: c.1237G>A on transcript NM_181783.4 (MANE Select); coding-DNA position 1237, G replaced by A.
Protein change: p.Val413Met; replaces valine 413 with methionine.
Molecular consequence: missense variant. On other transcripts: non-coding transcript variant (1).
Genome position (GRCh38, 1-based): chr12:88,174,644, G>A. VCF-style: chr12-88174644-G-A. GRCh37 (hg19) VCF-style: chr12-88568421-G-A.
Other names: c.1057G>A, p.Val353Met (NM_001366574.1); c.1018G>A, p.Val340Met (NM_001366579.1); c.970G>A, p.Val324Met (NM_001366580.1); c.544G>A, p.Val182Met (NM_001366583.1); short protein forms V340M, V182M, V324M, V353M, V413M.
Identifiers: ClinVar variation 2002592 (VCV002002592.4), dbSNP rs1565952418, ClinGen allele CA386114690.